The following is an entry in ClinVar:

NM_153006.3(NAGS):c.1281C>G (p.Ala427=)

Gene: NAGS (N-acetylglutamate synthase; plus strand). Cytogenetic location: 17q21.31.
Variant type: single nucleotide variant.
Coding change: c.1281C>G on transcript NM_153006.3 (MANE Select); coding-DNA position 1281, C replaced by G.
Protein change: p.Ala427=; no amino-acid change (alanine 427 retained).
Molecular consequence: synonymous variant.
Genome position (GRCh38, 1-based): chr17:44,007,603, C>G. VCF-style: chr17-44007603-C-G. GRCh37 (hg19) VCF-style: chr17-42084971-C-G.
Identifiers: ClinVar variation 323449 (VCV000323449.45), dbSNP rs371886833, ClinGen allele CA8595370.

ClinVar aggregate classification (germline): Conflicting classifications of pathogenicity. Review status: criteria provided, conflicting classifications (1 of 4 stars). 5 submissions from 5 submitters: Uncertain significance (1); Benign (1); Likely benign (2). 1 of the submissions does not count toward it. Last evaluated 2025-11-12.

Conditions:
Hyperammonemia, type III (NAGSD). Also called: Hyperammonemia due to N-acetylglutamate synthase deficiency. Identifiers: Orphanet 927, MedGen C0268543, MONDO:0009377, OMIM 237310.

Allele frequency attached by ClinVar (database versions not stated): ESP Exome Variant Server 0.00015; TOPMed 0.00015; 1000 Genomes Project 30x 0.00016; 1000 Genomes Project 0.00020; gnomAD exomes 0.00110; ExAC 0.00143; gnomAD 0.00210.

Submissions (5):

Labcorp Genetics (formerly Invitae), Labcorp
Classification: Benign for Hyperammonemia, type III. Last evaluated: 2025-11-12. Review status: criteria provided, single submitter. Criteria: Invitae Variant Classification Sherloc (09022015). Collection method: clinical testing. Allele origin: germline.

Blueprint Genetics
Classification: Likely benign. Last evaluated: 2024-10-17. Review status: criteria provided, single submitter. Criteria: ACMG Guidelines, 2015. Collection method: clinical testing. Allele origin: germline.

CeGaT Center for Human Genetics Tuebingen
Classification: Likely benign. Last evaluated: 2024-06-01. Review status: criteria provided, single submitter. Criteria: CeGaT Center For Human Genetics Tuebingen Variant Classification Criteria Version 2. Collection method: clinical testing. Allele origin: germline. Affected: yes. Observed: 2 variant alleles.
Comment: NAGS: BP4, BP7

Illumina Laboratory Services, Illumina
Classification: Uncertain significance for Hyperammonemia, type III. Last evaluated: 2018-01-12. Review status: criteria provided, single submitter. Criteria: ICSL Variant Classification Criteria 13 December 2019. Collection method: clinical testing. Allele origin: germline.

Natera, Inc.
Classification: Likely benign for Hyperammonemia type III. Last evaluated: 2020-06-26. Review status: no assertion criteria provided. Collection method: clinical testing. Allele origin: germline. Not counted in ClinVar's aggregate classification.